The following is an entry in ClinVar:

ClinVar aggregate classification (germline): Uncertain significance (1 of 4 stars; one submission).

Conditions:
Diffuse cerebral and cerebellar atrophy - intractable seizures - progressive microcephaly syndrome. Also called: Microcephaly, progressive, with seizures and cerebral and cerebellar atrophy. Identifiers: Orphanet 404437, MedGen C4014239, MONDO:0014335, OMIM 615760.

Submission:

Labcorp Genetics (formerly Invitae), Labcorp
Classification: Uncertain significance for Diffuse cerebral and cerebellar atrophy - intractable seizures - progressive microcephaly syndrome. Last evaluated: 2022-10-17. Review status: criteria provided, single submitter. Criteria: Invitae Variant Classification Sherloc (09022015). Collection method: clinical testing. Allele origin: germline.
Comment: This sequence change replaces glycine, which is neutral and non-polar, with valine, which is neutral and non-polar, at codon 653 of the QARS protein (p.Gly653Val). This variant is not present in population databases (gnomAD no frequency). This variant has not been reported in the literature in individuals affected with QARS-related conditions. ClinVar contains an entry for this variant (Variation ID: 1042651). Algorithms developed to predict the effect of missense changes on protein structure and function are either unavailable or do not agree on the potential impact of this missense change (SIFT: "Deleterious"; PolyPhen-2: "Possibly Damaging"; Align-GVGD: "Class C15"). In summary, the available evidence is currently insufficient to determine the role of this variant in disease. Therefore, it has been classified as a Variant of Uncertain Significance.

NM_005051.3(QARS1):c.1958G>T (p.Gly653Val)

Gene: QARS1 (glutaminyl-tRNA synthetase 1; minus strand). Cytogenetic location: 3p21.31.
Variant type: single nucleotide variant.
Coding change: c.1958G>T on transcript NM_005051.3 (MANE Select); coding-DNA position 1958, G replaced by T.
Protein change: p.Gly653Val; replaces glycine 653 with valine.
Molecular consequence: missense variant. On other transcripts: non-coding transcript variant (1).
Genome position (GRCh38, 1-based): chr3:49,098,479, C>A on the plus strand (G>T on the coding strand, the complement: QARS1 is on the minus strand). VCF-style: chr3-49098479-C-A. GRCh37 (hg19) VCF-style: chr3-49135912-C-A.
Other names: c.1925G>T, p.Gly642Val (NM_001272073.2); short protein forms G642V, G653V.
Identifiers: ClinVar variation 1042651 (VCV001042651.5), dbSNP rs770657741, ClinGen allele CA352699699.